The following is an entry in ClinVar:

NM_015231.3(NUP160):c.2869G>A (p.Gly957Ser)

Gene: NUP160 (nucleoporin 160; minus strand). Cytogenetic location: 11p11.2.
Variant type: single nucleotide variant.
Coding change: c.2869G>A on transcript NM_015231.3 (MANE Select); coding-DNA position 2869, G replaced by A.
Protein change: p.Gly957Ser; replaces glycine 957 with serine.
Molecular consequence: missense variant. On other transcripts: non-coding transcript variant (1).
Genome position (GRCh38, 1-based): chr11:47,798,388, C>T on the plus strand (G>A on the coding strand, the complement: NUP160 is on the minus strand). VCF-style: chr11-47798388-C-T. GRCh37 (hg19) VCF-style: chr11-47819940-C-T.
Other names: c.2971G>A (NM_015231.2); short protein forms G957S.
Identifiers: ClinVar variation 1629717 (VCV001629717.10), dbSNP rs114776609, ClinGen allele CA5980847.

ClinVar aggregate classification (germline): Benign. Review status: criteria provided, single submitter (1 of 4 stars). 2 submissions from 2 submitters: Benign (1). 1 of the submissions does not count toward it. Last evaluated 2025-11-08.

Conditions:
NUP160-related disorder. Also called: NUP160-related condition.

Allele frequency attached by ClinVar (database versions not stated): gnomAD exomes 0.00023 and 0.00056; ExAC 0.00081; 1000 Genomes Project 0.00160; 1000 Genomes Project 30x 0.00172; gnomAD 0.00281 and 0.00304; TOPMed 0.00297; ESP Exome Variant Server 0.00331.
gnomAD v4.1: 767 of 1,610,638 alleles (0.048%); highest among the groups gnomAD compares: African/African-American, 0.96%; 2 homozygotes.

Submissions (2):

Labcorp Genetics (formerly Invitae), Labcorp
Classification: Benign. Last evaluated: 2025-11-08. Review status: criteria provided, single submitter. Criteria: Invitae Variant Classification Sherloc (09022015). Collection method: clinical testing. Allele origin: germline.

PreventionGenetics, part of Exact Sciences
Classification: Benign for NUP160-related condition. Last evaluated: 2019-12-23. Review status: no assertion criteria provided. Collection method: clinical testing. Allele origin: germline. Not counted in ClinVar's aggregate classification.
Comment: This variant is classified as benign based on ACMG/AMP sequence variant interpretation guidelines (Richards et al. 2015 PMID: 25741868, with internal and published modifications).